The following is an entry in ClinVar:

NM_001024630.4(RUNX2):c.1250dup (p.His417fs)

Gene: RUNX2 (RUNX family transcription factor 2; plus strand). Cytogenetic location: 6p21.1.
Variant type: Duplication.
Coding change: c.1250dup on transcript NM_001024630.4 (MANE Select); coding-DNA position 1250, one base duplicated (A; older notation c.1250dupA).
Protein change: p.His417fs; shifts the reading frame from histidine 417.
Molecular consequence: frameshift variant.
Genome position (GRCh38, 1-based): chr6:45,546,989, A duplicated. VCF-style (leftmost placement, unchanged base first): chr6-45546988-C-CA. GRCh37 (hg19) VCF-style: chr6-45514725-C-CA.
Other names: c.1184dup, p.His395fs (NM_001015051.4); c.1142dup, p.His381fs (NM_001278478.2); c.1208dup, p.His403fs (NM_001369405.1); short protein forms H381fs, H395fs, H403fs, H417fs.
Identifiers: ClinVar variation 5018549 (VCV005018549.1).

ClinVar aggregate classification (germline): Likely pathogenic (1 of 4 stars; one submission).

Conditions:
Cleidocranial dysostosis (CLCD1). Also called: Marie-Sainton disease; Cleidocranial Dysplasia Spectrum Disorder; cleidocranial dysplasia 1. Identifiers: Orphanet 1452, MedGen C0008928, MONDO:0007340, OMIM 119600.
Metaphyseal dysplasia-maxillary hypoplasia-brachydacty syndrome. Also called: Metaphyseal dysplasia with maxillary hypoplasia and brachydactyly; METAPHYSEAL DYSPLASIA AND MAXILLARY HYPOPLASIA WITH OR WITHOUT BRACHYDACTYLY; Metaphyseal dysplasia with maxillary hypoplasia with or without brachydactyly. Identifiers: Orphanet 2504, MedGen C3549874, MONDO:0007984, OMIM 156510.

Submission:

Juno Genomics, Hangzhou Juno Genomics, Inc
Classification: Likely pathogenic for Cleidocranial dysostosis; Metaphyseal dysplasia-maxillary hypoplasia-brachydacty syndrome. Review status: criteria provided, single submitter. Criteria: ACMG Guidelines, 2015. Collection method: clinical testing. Allele origin: germline. Affected: yes.
Comment: Absent from controls (or at extremely low frequency if recessive) in Genome Aggregation Database.;De novo (both maternity and paternity confirmed) in a patient with the disease and no family history.;Null variant in a gene where loss of function (LOF) is a known mechanism of disease.;The prevalence of the variant in affected individuals is significantly increased compared to the prevalence in controls.